The following is an entry in ClinVar:

ClinVar aggregate classification (germline): Uncertain significance (1 of 4 stars; one submission).

Submission:

Labcorp Genetics (formerly Invitae), Labcorp
Classification: Uncertain significance. Last evaluated: 2024-10-06. Review status: criteria provided, single submitter. Criteria: Invitae Variant Classification Sherloc (09022015). Collection method: clinical testing. Allele origin: germline.
Comment: This sequence change replaces proline, which is neutral and non-polar, with arginine, which is basic and polar, at codon 353 of the IKZF1 protein (p.Pro353Arg). This variant is not present in population databases (gnomAD no frequency). This variant has not been reported in the literature in individuals affected with IKZF1-related conditions. An algorithm developed to predict the effect of missense changes on protein structure and function (PolyPhen-2) suggests that this variant is likely to be disruptive. In summary, the available evidence is currently insufficient to determine the role of this variant in disease. Therefore, it has been classified as a Variant of Uncertain Significance.

NM_006060.6(IKZF1):c.1058C>G (p.Pro353Arg)

Gene: IKZF1 (IKAROS family zinc finger 1; plus strand). Cytogenetic location: 7p12.2.
Variant type: single nucleotide variant.
Coding change: c.1058C>G on transcript NM_006060.6 (MANE Select); coding-DNA position 1058, C replaced by G.
Protein change: p.Pro353Arg; replaces proline 353 with arginine.
Molecular consequence: missense variant.
Genome position (GRCh38, 1-based): chr7:50,400,125, C>G. VCF-style: chr7-50400125-C-G. GRCh37 (hg19) VCF-style: chr7-50467823-C-G.
Other names: c.932C>G, p.Pro311Arg (NM_001291837.2, NM_001220765.3); c.797C>G, p.Pro266Arg (NM_001291838.2, NM_001220768.2); c.671C>G, p.Pro224Arg (NM_001291839.2); c.368C>G, p.Pro123Arg (NM_001291840.1); c.629C>G, p.Pro210Arg (NM_001291841.1, NM_001220771.2); c.599C>G, p.Pro200Arg (NM_001291842.1); c.503C>G, p.Pro168Arg (NM_001291843.1); c.473C>G, p.Pro158Arg (NM_001291844.1); and 3 more; short protein forms P123R, P168R, P214R, P266R, P158R, P224R, P311R, P200R.
Identifiers: ClinVar variation 3664445 (VCV003664445.2).